The following is an entry in ClinVar:

ClinVar aggregate classification (germline): Uncertain significance (1 of 4 stars; one submission).

gnomAD v4.1: 3 of 1,605,670 alleles (0.00019%); highest among the groups gnomAD compares: Non-Finnish European, 0.00026%; no homozygotes.

Submission:

GeneDx
Classification: Uncertain significance. Last evaluated: 2021-04-05. Review status: criteria provided, single submitter. Criteria: GeneDx Variant Classification Process June 2021. Collection method: clinical testing. Allele origin: germline. Affected: yes.
Comment: Not observed in large population cohorts (Lek et al., 2016); In silico analysis supports that this missense variant has a deleterious effect on protein structure/function; Has not been previously published as pathogenic or benign to our knowledge

NM_003097.6(SNRPN):c.260C>T (p.Pro87Leu)

Genes: SNHG14 (small nucleolar RNA host gene 14; plus strand), SNRPN (small nuclear ribonucleoprotein polypeptide N; plus strand), SNURF (SNRPN upstream open reading frame; plus strand). Cytogenetic location: 15q11.2.
Variant type: single nucleotide variant.
Coding change: c.260C>T on transcript NM_003097.6 (MANE Select); coding-DNA position 260, C replaced by T.
Protein change: p.Pro87Leu; replaces proline 87 with leucine.
Molecular consequence: missense variant. On other transcripts: 3 prime UTR variant (1), intron variant (1), non-coding transcript variant (1).
Genome position (GRCh38, 1-based): chr15:24,976,409, C>T. VCF-style: chr15-24976409-C-T. GRCh37 (hg19) VCF-style: chr15-25221556-C-T.
Other names: c.260C>T, p.Pro87Leu (NM_022805.5, NM_022806.5, NM_022807.5 and 99 more transcripts); c.*448C>T (NM_005678.5); c.4-468C>T (NM_001400768.1); c.236C>T, p.Pro79Leu (NM_001400767.1, NM_001378256.1, NM_001378257.1); c.272C>T, p.Pro91Leu (NM_001378251.1, NM_001378252.1, NM_001378253.1 and 2 more transcripts); short protein forms P79L, P87L, P91L.
Identifiers: ClinVar variation 1300832 (VCV001300832.4), dbSNP rs1481471945, ClinGen allele CA391341393.
Genomic context (GRCh38, chr15:24,976,409, plus strand): 5'-TGGGTCTGGTGTTGCTGCGTGGGGAGAACTTGGTATCCATGACTGTGGAGGGGCCACCCC[C>T]CAAAGATGTAAGGAAGATGTAGGGCAGGACAGAACTTTAATTTGCAGGGACATCATATTA-3'
Protein context (NP_003088.1, residues 77-97): LVSMTVEGPP[Pro87Leu]KDTGIARVPL